The following is an entry in ClinVar:

ClinVar aggregate classification (germline): Likely pathogenic (1 of 4 stars; one submission).

Conditions:
Developmental and epileptic encephalopathy, 9 (DEE9). Also called: EPILEPSY, FEMALE-RESTRICTED, WITH MENTAL RETARDATION; JUBERG-HELLMAN SYNDROME; PCDH19-Related X-Linked Female-Limited Epilepsy with Mental Retardation; Early infantile epileptic encephalopathy 9. Identifiers: Orphanet 101039, Orphanet 2076, MedGen C1848137, MONDO:0010246, OMIM 300088. Disease mechanism: loss of function.

Submission:

Labcorp Genetics (formerly Invitae), Labcorp
Classification: Likely pathogenic for Developmental and epileptic encephalopathy, 9. Last evaluated: 2022-08-16. Review status: criteria provided, single submitter. Criteria: Invitae Variant Classification Sherloc (09022015). Collection method: clinical testing. Allele origin: germline.
Comment: In summary, the currently available evidence indicates that the variant is pathogenic, but additional data are needed to prove that conclusively. Therefore, this variant has been classified as Likely Pathogenic. This variant disrupts the p.Glu249 amino acid residue in PCDH19. Other variant(s) that disrupt this residue have been determined to be pathogenic (PMID: 22504056, 29933521). This suggests that this residue is clinically significant, and that variants that disrupt this residue are likely to be disease-causing. Advanced modeling of protein sequence and biophysical properties (such as structural, functional, and spatial information, amino acid conservation, physicochemical variation, residue mobility, and thermodynamic stability) performed at Invitae indicates that this missense variant is expected to disrupt PCDH19 protein function. ClinVar contains an entry for this variant (Variation ID: 664153). This variant has not been reported in the literature in individuals affected with PCDH19-related conditions. This variant is not present in population databases (gnomAD no frequency). This sequence change replaces glutamic acid, which is acidic and polar, with glutamine, which is neutral and polar, at codon 249 of the PCDH19 protein (p.Glu249Gln).

Literature cited by the submitters: PubMed 22504056; PubMed 29933521.

NM_001184880.2(PCDH19):c.745G>C (p.Glu249Gln)

Gene: PCDH19 (protocadherin 19; minus strand). Cytogenetic location: Xq22.1.
Variant type: single nucleotide variant.
Coding change: c.745G>C on transcript NM_001184880.2 (MANE Select); coding-DNA position 745, G replaced by C.
Protein change: p.Glu249Gln; replaces glutamic acid 249 with glutamine.
Molecular consequence: missense variant.
Genome position (GRCh38, 1-based): chrX:100,407,853, C>G on the plus strand (G>C on the coding strand, the complement: PCDH19 is on the minus strand). VCF-style: chrX-100407853-C-G. GRCh37 (hg19) VCF-style: chrX-99662851-C-G.
Other names: c.745G>C, p.Glu249Gln (NM_001105243.2, NM_020766.3); short protein forms E249Q.
Identifiers: ClinVar variation 664153 (VCV000664153.11), dbSNP rs1602637340, ClinGen allele CA414008358.
Genomic context (GRCh38, chrX:100,407,853, plus strand): 5'-TGCCCTCGTCTGGATCGCTGGCGTTGAGGCGGATGACGGGTGTGTTGGGAGGCGAGTTTT[C>G]TGGCACGCTCACCGCGTAGGTGGACTCGCTAAACACCGGGTTGTTGTCATTGGAGTCGGT-3'
Protein context (NP_001171809.1, residues 239-259): SESTYAVSVP[Glu249Gln]NSPPNTPVIR